The following is an entry in ClinVar:

ClinVar aggregate classification (germline): Benign. Review status: criteria provided, multiple submitters, no conflicts (2 of 4 stars). 2 submissions from 2 submitters: Benign (2). Last evaluated 2018-01-13.

Conditions:
Glycogen storage disease type III (GSD3). Also called: FORBES DISEASE; Cori disease. Identifiers: Orphanet 366, MedGen C0017922, MONDO:0009291, OMIM 232400.

Allele frequency attached by ClinVar (database versions not stated): 1000 Genomes Project 30x 0.36477; 1000 Genomes Project 0.37580; gnomAD 0.37745 and 0.37976; TOPMed 0.38502.

Submissions (2):

Illumina Laboratory Services, Illumina
Classification: Benign for Glycogen storage disease type III. Last evaluated: 2018-01-13. Review status: criteria provided, single submitter. Criteria: ICSL Variant Classification Criteria 13 December 2019. Collection method: clinical testing. Allele origin: germline.
Comment: This variant was observed in the ICSL laboratory as part of a predisposition screen in an ostensibly healthy population. It had not been previously curated by ICSL or reported in the Human Gene Mutation Database (HGMD: prior to June 1st, 2018), and was therefore a candidate for classification through an automated scoring system. Utilizing variant allele frequency, disease prevalence and penetrance estimates, and inheritance mode, an automated score was calculated to assess if this variant is too frequent to cause the disease. Based on the score and internal cut-off values, a variant classified as benign is not then subjected to further curation. The score for this variant resulted in a classification of benign for this disease.

Breakthrough Genomics
Classification: Benign. Review status: criteria provided, single submitter. Criteria: ACMG Guidelines, 2015. Collection method: not provided. Allele origin: germline. Inheritance: Autosomal recessive inheritance. Affected: yes.

NM_000642.3(AGL):c.*1296A>C

Gene: AGL (amylo-alpha-1,6-glucosidase and 4-alpha-glucanotransferase; plus strand). Cytogenetic location: 1p21.2.
Variant type: single nucleotide variant.
Coding change: c.*1296A>C on transcript NM_000642.3 (MANE Select); 1296 bases downstream of the stop codon, A replaced by C.
Molecular consequence: 3 prime UTR variant.
Genome position (GRCh38, 1-based): chr1:99,922,947, A>C. VCF-style: chr1-99922947-A-C. GRCh37 (hg19) VCF-style: chr1-100388503-A-C.
Other names: c.*1296A>C (NM_000028.3, NM_000643.3, NM_000644.3 and 7 more transcripts).
Identifiers: ClinVar variation 291368 (VCV000291368.6), dbSNP rs1804809, ClinGen allele CA10610495.